The following is an entry in ClinVar:

NM_001283009.2(RTEL1):c.2447T>A (p.Leu816Gln)

Genes: RTEL1 (regulator of telomere elongation helicase 1; plus strand), RTEL1-TNFRSF6B (RTEL1-TNFRSF6B readthrough (NMD candidate); plus strand). Cytogenetic location: 20q13.33.
Variant type: single nucleotide variant.
Coding change: c.2447T>A on transcript NM_001283009.2 (MANE Select); coding-DNA position 2447, T replaced by A.
Protein change: p.Leu816Gln; replaces leucine 816 with glutamine.
Molecular consequence: missense variant. On other transcripts: non-coding transcript variant (1).
Genome position (GRCh38, 1-based): chr20:63,690,838, T>A. VCF-style: chr20-63690838-T-A. GRCh37 (hg19) VCF-style: chr20-62322191-T-A.
Other names: c.1778T>A, p.Leu593Gln (NM_001283010.1); c.2447T>A, p.Leu816Gln (NM_016434.4); c.2519T>A, p.Leu840Gln (NM_032957.5); short protein forms L816Q, L593Q, L840Q.
Identifiers: ClinVar variation 4157705 (VCV004157705.1).
Genomic context (GRCh38, chr20:63,690,838, plus strand): 5'-TCACTGCGCACTCGGGTGCCCCTGCAGGGTCACCAGCTGCCGGGGACCCCGAGAGTAGCC[T>A]GTGTGTGGAGTATGAGCAGGAGCCAGTTCCTGCCCGGCAGAGGCCCAGGGGGCTGCTGGC-3'
Protein context (NP_001269938.1, residues 806-826): SPAAGDPESS[Leu816Gln]CVEYEQEPVP

ClinVar aggregate classification (germline): Uncertain significance (1 of 4 stars; one submission).

Conditions:
Inborn genetic diseases. Identifiers: MedGen C0950123, MeSH D030342.

Submission:

Ambry Genetics
Classification: Uncertain significance for Inborn genetic diseases. Last evaluated: 2025-08-28. Review status: criteria provided, single submitter. Criteria: Ambry Variant Classification Scheme 2023. Collection method: clinical testing. Allele origin: germline.
Comment: The p.L816Q variant (also known as c.2447T>A), located in coding exon 26 of the RTEL1 gene, results from a T to A substitution at nucleotide position 2447. The leucine at codon 816 is replaced by glutamine, an amino acid with dissimilar properties. This amino acid position is conserved. In addition, this alteration is predicted to be tolerated by in silico analysis. Based on the available evidence, the clinical significance of this variant remains unclear.